The following is an entry in ClinVar:

NM_001130438.3(SPTAN1):c.2889G>A (p.Thr963=)

Gene: SPTAN1 (spectrin alpha, non-erythrocytic 1; plus strand). Cytogenetic location: 9q34.11.
Variant type: single nucleotide variant.
Coding change: c.2889G>A on transcript NM_001130438.3 (MANE Select); coding-DNA position 2889, G replaced by A.
Protein change: p.Thr963=; no amino-acid change (threonine 963 retained).
Molecular consequence: synonymous variant.
Genome position (GRCh38, 1-based): chr9:128,588,826, G>A. VCF-style: chr9-128588826-G-A. GRCh37 (hg19) VCF-style: chr9-131351105-G-A.
Other names: p.T963T:ACG>ACA; p.Thr963=; c.2889G>A, p.Thr963= (NM_001195532.2, NM_001363759.2, NM_001363765.2 and 1 more transcripts).
Identifiers: ClinVar variation 160005 (VCV000160005.56), dbSNP rs34654141, ClinGen allele CA173556.

ClinVar aggregate classification (germline): Conflicting classifications of pathogenicity. Review status: criteria provided, conflicting classifications (1 of 4 stars). 8 submissions from 8 submitters: Uncertain significance (2); Benign (1); Likely benign (5). Last evaluated 2026-08-01.

Conditions:
Early-infantile DEE. Also called: Early infantile epileptic encephalopathy; Ohtahara syndrome; Early infantile epileptic encephalopathy with suppression bursts. Identifiers: Orphanet 1934, MedGen C0393706, MONDO:0800491.
Inborn genetic diseases. Identifiers: MedGen C0950123, MeSH D030342.
Developmental and epileptic encephalopathy, 5 (DEE5). Identifiers: Orphanet 3451, MedGen C3150731, MONDO:0013277, OMIM 613477.

Allele frequency attached by ClinVar (database versions not stated): TOPMed 0.00024; ExAC 0.00025; gnomAD exomes 0.00025 and 0.00041; gnomAD 0.00026 and 0.00028; ESP Exome Variant Server 0.00031.

Submissions (8):

CeGaT Center for Human Genetics Tuebingen
Classification: Likely benign. Last evaluated: 2026-08-01. Review status: criteria provided, single submitter. Criteria: CeGaT Center For Human Genetics Tuebingen Variant Classification Criteria Version 2. Collection method: clinical testing. Allele origin: germline. Affected: yes. Observed: 8 variant alleles.
Comment: SPTAN1: BP4, BP7

Labcorp Genetics (formerly Invitae), Labcorp
Classification: Likely benign for Early-infantile DEE. Last evaluated: 2026-01-05. Review status: criteria provided, single submitter. Criteria: Invitae Variant Classification Sherloc (09022015). Collection method: clinical testing. Allele origin: germline.

Mayo Clinic Laboratories, Mayo Clinic
Classification: Likely benign. Last evaluated: 2025-02-12. Review status: criteria provided, single submitter. Criteria: ACMG Guidelines, 2015. Collection method: clinical testing. Allele origin: germline. Observed: 2 variant alleles.
Comment: BS2, BP4, BP7

Genome-Nilou Lab
Classification: Likely benign for Developmental and epileptic encephalopathy, 5. Last evaluated: 2021-07-15. Review status: criteria provided, single submitter. Criteria: ACMG Guidelines, 2015. Collection method: clinical testing. Allele origin: germline. Affected: no.

GeneDx
Classification: Likely benign. Last evaluated: 2021-02-04. Review status: criteria provided, single submitter. Criteria: GeneDx Variant Classification Process June 2021. Collection method: clinical testing. Allele origin: germline. Affected: yes.

Ambry Genetics
Classification: Benign for Inborn genetic diseases. Last evaluated: 2019-09-17. Review status: criteria provided, single submitter. Criteria: Ambry Variant Classification Scheme 2023. Collection method: clinical testing. Allele origin: germline.

Eurofins Ntd Llc (ga)
Classification: Uncertain significance. Last evaluated: 2017-01-25. Review status: criteria provided, single submitter. Criteria: EGL Classification Definitions 2015. Collection method: clinical testing. Allele origin: germline. Observed: 2 variant alleles, 2 heterozygotes.

Genetic Services Laboratory, University of Chicago
Classification: Uncertain significance for Epileptic encephalopathy, early infantile, 5. Last evaluated: 2013-03-04. Review status: criteria provided, single submitter. Criteria: ACMG Guidelines, 2007. Collection method: clinical testing. Allele origin: germline. Inheritance: Autosomal dominant inheritance.